The following is an entry in ClinVar:

NM_006739.4(MCM5):c.389C>T (p.Ser130Leu)

Gene: MCM5 (minichromosome maintenance complex component 5; plus strand). Cytogenetic location: 22q12.3.
Variant type: single nucleotide variant.
Coding change: c.389C>T on transcript NM_006739.4 (MANE Select); coding-DNA position 389, C replaced by T.
Protein change: p.Ser130Leu; replaces serine 130 with leucine.
Molecular consequence: missense variant.
Genome position (GRCh38, 1-based): chr22:35,403,508, C>T. VCF-style: chr22-35403508-C-T. GRCh37 (hg19) VCF-style: chr22-35799501-C-T.
Other names: short protein forms S130L.
Identifiers: ClinVar variation 2902244 (VCV002902244.3), dbSNP rs1029161696, ClinGen allele CA323539321.

ClinVar aggregate classification (germline): Uncertain significance (1 of 4 stars; one submission).

Allele frequency attached by ClinVar (database versions not stated): TOPMed 0.00001.
gnomAD v4.1: 5 of 1,614,092 alleles (0.00031%); highest among the groups gnomAD compares: East Asian, 0.0022%; no homozygotes.

Submission:

Labcorp Genetics (formerly Invitae), Labcorp
Classification: Uncertain significance. Last evaluated: 2025-10-29. Review status: criteria provided, single submitter. Criteria: Invitae Variant Classification Sherloc (09022015). Collection method: clinical testing. Allele origin: germline.
Comment: This sequence change replaces serine, which is neutral and polar, with leucine, which is neutral and non-polar, at codon 130 of the MCM5 protein (p.Ser130Leu). This variant is present in population databases (no rsID available, gnomAD 0.007%). This variant has not been reported in the literature in individuals affected with MCM5-related conditions. ClinVar contains an entry for this variant (Variation ID: 2902244). Invitae Evidence Modeling of protein sequence and biophysical properties (such as structural, functional, and spatial information, amino acid conservation, physicochemical variation, residue mobility, and thermodynamic stability) indicates that this missense variant is not expected to disrupt MCM5 protein function with a negative predictive value of 80%. In summary, the available evidence is currently insufficient to determine the role of this variant in disease. Therefore, it has been classified as a Variant of Uncertain Significance.